The following is an entry in ClinVar:

NM_001048174.2(MUTYH):c.705-15G>T

Gene: MUTYH (mutY DNA glycosylase; minus strand). Cytogenetic location: 1p34.1.
Variant type: single nucleotide variant.
Coding change: c.705-15G>T on transcript NM_001048174.2 (MANE Select); 15 bases into the intron before coding-DNA position 705, G replaced by T.
Molecular consequence: intron variant.
Genome position (GRCh38, 1-based): chr1:45,332,325, C>A on the plus strand (G>T on the coding strand, the complement: MUTYH is on the minus strand). VCF-style: chr1-45332325-C-A. GRCh37 (hg19) VCF-style: chr1-45797997-C-A.
Other names: c.705-15G>T (NM_001407072.1, NM_001407073.1, NM_001048171.2 and 6 more transcripts); c.360-15G>T (NM_001350651.2, NM_001350650.2, NM_001407082.1); c.429-15G>T (NM_001293192.2, NM_001293196.2, NM_001407091.1); c.750-15G>T (NM_001293190.2); c.738-15G>T (NM_001407069.1, NM_001407077.1, NM_001293191.2); c.780-15G>T (NM_012222.3); c.789-15G>T (NM_001128425.2); c.708-15G>T (NM_001407071.1, NM_001048172.2, NM_001407078.1 and 1 more transcripts); and 5 more.
Identifiers: ClinVar variation 3073161 (VCV003073161.1), dbSNP rs2524096242, ClinGen allele CA2825000964.
Genomic context (GRCh38, chr1:45,332,325, plus strand): 5'-GAAATCTCCTGGCCGGGCTGGGTCCACCAGCTGCTGGGCTAGACCCCTAAAAGAAGGGAA[C>A]ACTGCTGTGAAGCAGAGCTCCTTTGCAGACACCCCTGAAGCACCCTTGTTACCCCAACAT-3'

ClinVar aggregate classification (germline): Likely benign (1 of 4 stars; one submission).

Conditions:
Familial adenomatous polyposis 2. Also called: COLORECTAL ADENOMATOUS POLYPOSIS, AUTOSOMAL RECESSIVE; ADENOMAS, MULTIPLE COLORECTAL, AUTOSOMAL RECESSIVE; MYH-associated polyposis; MUTYH-associated polyposis; MUTYH-related attenuated familial adenomatous polyposis; MUTYH Polyposis. Identifiers: Orphanet 220460, Orphanet 247798, MedGen C3272841, MONDO:0012041, OMIM 608456.

Submission:

All of Us Research Program, National Institutes of Health
Classification: Likely benign for Familial adenomatous polyposis 2. Last evaluated: 2023-08-23. Review status: criteria provided, single submitter. Criteria: ACMG Guidelines, 2015. Collection method: clinical testing. Allele origin: germline. Inheritance: Autosomal recessive inheritance. Observed: 1 variant allele, 1 heterozygote.
Comment: This study involves interpretation of variants in research participants for the purpose of population health screening. Participant phenotype was not available at the time of variant classification. Additional details can be found in publication PMID: 35346344, PMCID: PMC8962531